The following is an entry in ClinVar:

NM_000330.4(RS1):c.336G>T (p.Trp112Cys)

Genes: CDKL5 (cyclin dependent kinase like 5; plus strand), RS1 (retinoschisin 1; minus strand). Cytogenetic location: Xp22.13.
Variant type: single nucleotide variant.
Coding change: c.336G>T on transcript NM_000330.4 (MANE Select); coding-DNA position 336, G replaced by T.
Protein change: p.Trp112Cys; replaces tryptophan 112 with cysteine.
Molecular consequence: missense variant. On other transcripts: intron variant (2).
Genome position (GRCh38, 1-based): chrX:18,644,616, C>A on the plus strand (G>T on the coding strand, the complement: RS1 is on the minus strand). VCF-style: chrX-18644616-C-A. GRCh37 (hg19) VCF-style: chrX-18662736-C-A.
Other names: c.2714-1391C>A (NM_003159.3, NM_001037343.2); short protein forms W112C.
Identifiers: ClinVar variation 98942 (VCV000098942.6), dbSNP rs61752144, ClinGen allele CA226696.

ClinVar aggregate classification (germline): Pathogenic. Review status: criteria provided, single submitter (1 of 4 stars). 2 submissions from 2 submitters: Pathogenic (1). 1 of the submissions does not count toward it. Last evaluated 2023-08-03.

Submissions (2):

Labcorp Genetics (formerly Invitae), Labcorp
Classification: Pathogenic. Last evaluated: 2023-08-03. Review status: criteria provided, single submitter. Criteria: Invitae Variant Classification Sherloc (09022015). Collection method: clinical testing. Allele origin: germline.
Comment: For these reasons, this variant has been classified as Pathogenic. Experimental studies have shown that this missense change affects RS1 function (PMID: 16884758). Advanced modeling of protein sequence and biophysical properties (such as structural, functional, and spatial information, amino acid conservation, physicochemical variation, residue mobility, and thermodynamic stability) performed at Invitae indicates that this missense variant is expected to disrupt RS1 protein function. ClinVar contains an entry for this variant (Variation ID: 98942). This missense change has been observed in individual(s) with retinoschisis (PMID: 9618178, 12928282). It has also been observed to segregate with disease in related individuals. This variant is not present in population databases (gnomAD no frequency). This sequence change replaces tryptophan, which is neutral and slightly polar, with cysteine, which is neutral and slightly polar, at codon 112 of the RS1 protein (p.Trp112Cys).

Retina International
No classification provided. Review status: no classification provided. Collection method: not provided. Allele origin: unknown. Not counted in ClinVar's aggregate classification.

Literature cited by the submitters: PubMed 16884758 (cited by Labcorp Genetics (formerly Invitae), Labcorp); PubMed 9618178 (cited by Labcorp Genetics (formerly Invitae), Labcorp); PubMed 12928282 (cited by Labcorp Genetics (formerly Invitae), Labcorp).